The following is an entry in ClinVar:

ClinVar aggregate classification (germline): Pathogenic/Likely pathogenic. Review status: criteria provided, multiple submitters, no conflicts (2 of 4 stars). 4 submissions from 4 submitters: Pathogenic (1); Likely pathogenic (2). 1 of the submissions does not count toward it. Last evaluated 2025-07-18.

Conditions:
Autosomal recessive polycystic kidney disease (ARPKD). Also called: AR polycystic kidney disease. Identifiers: Orphanet 731, Orphanet 8378, MedGen C0085548, MeSH D017044, MONDO:0009889.
Polycystic kidney disease 4 (PKD4). Also called: POLYCYSTIC KIDNEY DISEASE 4 WITH OR WITHOUT POLYCYSTIC LIVER DISEASE; PKD3; Autosomal Recessive Polycystic Kidney Disease – PKHD1; POLYCYSTIC KIDNEY AND HEPATIC DISEASE 1; POLYCYSTIC KIDNEY DISEASE, INFANTILE, TYPE I. Identifiers: MedGen C4540575, MONDO:0033004, OMIM 263200.
PKHD1-related disorder. Also called: PKHD1-related condition.

Allele frequency attached by ClinVar (database versions not stated): gnomAD exomes below 0.00001; TOPMed below 0.00001; gnomAD 0.00001.
gnomAD v4.1: 3 of 1,613,980 alleles (0.00019%); highest among the groups gnomAD compares: Non-Finnish European, 0.00025%; no homozygotes.

Submissions (4):

Women's Health and Genetics/Laboratory Corporation of America, LabCorp
Classification: Likely pathogenic for Autosomal recessive polycystic kidney disease. Last evaluated: 2025-07-18. Review status: criteria provided, single submitter. Criteria: LabCorp Variant Classification Summary - May 2015. Collection method: clinical testing. Allele origin: germline.
Comment: Variant summary: PKHD1 c.9461A>G (p.Asp3154Gly) results in a non-conservative amino acid change in the encoded protein sequence. Algorithms developed to predict the effect of missense changes on protein structure and function all suggest that this variant is likely to be disruptive. The variant was absent in 250834 control chromosomes. c.9461A>G has been reported in the literature in individuals affected with Polycystic Kidney And Hepatic Disease (Denamur_2010, Burgmaier_2021, Internal data). These data indicate that the variant may be associated with disease. To our knowledge, no experimental evidence demonstrating an impact on protein function has been reported. The following publications have been ascertained in the context of this evaluation (PMID: 33940108, 19940839). ClinVar contains an entry for this variant (Variation ID: 1456801). Based on the evidence outlined above, the variant was classified as likely pathogenic.

Fulgent Genetics
Classification: Likely pathogenic for Polycystic kidney disease 4. Last evaluated: 2024-05-30. Review status: criteria provided, single submitter. Criteria: ACMG Guidelines, 2015. Collection method: clinical testing. Allele origin: germline.

Labcorp Genetics (formerly Invitae), Labcorp
Classification: Pathogenic for Autosomal recessive polycystic kidney disease. Last evaluated: 2021-08-26. Review status: criteria provided, single submitter. Criteria: Invitae Variant Classification Sherloc (09022015). Collection method: clinical testing. Allele origin: germline.
Comment: This variant has been observed in individuals with polycystic kidney disease (PMID: 19940839; Invitae). This variant is not present in population databases (ExAC no frequency). This sequence change replaces aspartic acid with glycine at codon 3154 of the PKHD1 protein (p.Asp3154Gly). The aspartic acid residue is moderately conserved and there is a moderate physicochemical difference between aspartic acid and glycine. Advanced modeling of protein sequence and biophysical properties (such as structural, functional, and spatial information, amino acid conservation, physicochemical variation, residue mobility, and thermodynamic stability) performed at Invitae indicates that this missense variant is expected to disrupt PKHD1 protein function. For these reasons, this variant has been classified as Pathogenic.

PreventionGenetics, part of Exact Sciences
Classification: Likely pathogenic for PKHD1-related condition. Last evaluated: 2024-03-01. Review status: no assertion criteria provided. Collection method: clinical testing. Allele origin: germline. Not counted in ClinVar's aggregate classification.
Comment: The PKHD1 c.9461A>G variant is predicted to result in the amino acid substitution p.Asp3154Gly. This variant has been reported with a pathogenic PKHD1 missense variant (c.5912G>A, p.Gly1971Asp) in an individual with autosomal recessive polycystic kidney disease (ARPKD) (Table S2 of Denamur et al. 2010. PubMed ID: 19940839). In ClinVar, another lab reported they found this variant in individuals with polycystic kidney disease and classify it as pathogenic. This variant has not been reported in a large population database, indicating this variant is rare. Given this evidence, this variant is interpreted as likely pathogenic.

Literature cited by the submitters: PubMed 19940839 (cited by Women's Health and Genetics/Laboratory Corporation of America, LabCorp and Labcorp Genetics (formerly Invitae), Labcorp); PubMed 33940108 (cited by Women's Health and Genetics/Laboratory Corporation of America, LabCorp).

NM_138694.4(PKHD1):c.9461A>G (p.Asp3154Gly)

Gene: PKHD1 (PKHD1 ciliary IPT domain containing fibrocystin/polyductin; minus strand). Cytogenetic location: 6p12.3.
Variant type: single nucleotide variant.
Coding change: c.9461A>G on transcript NM_138694.4 (MANE Select); coding-DNA position 9461, A replaced by G.
Protein change: p.Asp3154Gly; replaces aspartic acid 3154 with glycine.
Molecular consequence: missense variant.
Genome position (GRCh38, 1-based): chr6:51,748,155, T>C on the plus strand (A>G on the coding strand, the complement: PKHD1 is on the minus strand). VCF-style: chr6-51748155-T-C. GRCh37 (hg19) VCF-style: chr6-51612953-T-C.
Other names: c.9461A>G, p.Asp3154Gly (NM_170724.3); c.9461A>G (NM_138694.3); short protein forms D3154G.
Identifiers: ClinVar variation 1456801 (VCV001456801.13), dbSNP rs1477456222, ClinGen allele CA364421012.